The following is an entry in ClinVar:

NM_022455.5(NSD1):c.6088C>T (p.Gln2030Ter)

Gene: NSD1 (nuclear receptor binding SET domain protein 1; plus strand). Cytogenetic location: 5q35.3.
Variant type: single nucleotide variant.
Coding change: c.6088C>T on transcript NM_022455.5 (MANE Select); coding-DNA position 6088, C replaced by T.
Protein change: p.Gln2030Ter; replaces glutamine 2030 with a stop codon.
Molecular consequence: nonsense. On other transcripts: intron variant (1).
Genome position (GRCh38, 1-based): chr5:177,283,865, C>T. VCF-style: chr5-177283865-C-T. GRCh37 (hg19) VCF-style: chr5-176710866-C-T.
Other names: c.5215C>T, p.Gln1739Ter (NM_001365684.2, NM_001409308.1, NM_172349.5); c.6088C>T, p.Gln2030Ter (NM_001409301.1, NM_001409302.1, NM_001409303.1); c.5668C>T, p.Gln1890Ter (NM_001409304.1); c.5335C>T, p.Gln1779Ter (NM_001409305.1); c.5326C>T, p.Gln1776Ter (NM_001409306.1, NM_001409307.1); c.5136+1284C>T (NM_001409309.1); short protein forms Q1739*, Q1776*, Q1779*, Q1890*, Q2030*.
Identifiers: ClinVar variation 3340400 (VCV003340400.1).
Genomic context (GRCh38, chr5:177,283,865, plus strand): 5'-GGTCCCAAAGGAAACTATGCTCGGTTCATGAATCATTGCTGCCAGCCCAACTGTGAAACA[C>T]AGAAGTGGTCTGTGAATGGAGATACCCGTGTAGGCCTTTTTGCACTAAGTGACATTAAAG-3'

ClinVar aggregate classification (germline): Pathogenic (1 of 4 stars; one submission).

Submission:

GeneDx
Classification: Pathogenic. Last evaluated: 2023-06-02. Review status: criteria provided, single submitter. Criteria: GeneDx Variant Classification Process June 2021. Collection method: clinical testing. Allele origin: germline. Affected: yes.
Comment: Reported in a patient in the published literature (Tatton-Brown et al., 2005); however, no detailed clinical information provided; Nonsense variant predicted to result in protein truncation or nonsense mediated decay in a gene for which loss of function is a known mechanism of disease; Not observed at significant frequency in large population cohorts (gnomAD); This variant is associated with the following publications: (PMID: 25525159, 15942875)